The following is an entry in ClinVar:

ClinVar aggregate classification (germline): Uncertain significance (1 of 4 stars; one submission).

Conditions:
Norman-Roberts syndrome (LIS2). Also called: Lissencephaly 2 (Norman-Roberts type). Identifiers: Orphanet 89844, MedGen C0796089, MONDO:0009760, OMIM 257320.
Familial temporal lobe epilepsy 7. Identifiers: Orphanet 101046, MedGen C4225327, MONDO:0014639, OMIM 616436.

gnomAD v4.1: 2 of 1,613,592 alleles (0.00012%); highest among the groups gnomAD compares: Non-Finnish European, 0.00017%; no homozygotes.

Submission:

Labcorp Genetics (formerly Invitae), Labcorp
Classification: Uncertain significance for Familial temporal lobe epilepsy 7; Norman-Roberts syndrome. Last evaluated: 2022-04-13. Review status: criteria provided, single submitter. Criteria: Invitae Variant Classification Sherloc (09022015). Collection method: clinical testing. Allele origin: germline.
Comment: In summary, the available evidence is currently insufficient to determine the role of this variant in disease. Therefore, it has been classified as a Variant of Uncertain Significance. Algorithms developed to predict the effect of missense changes on protein structure and function are either unavailable or do not agree on the potential impact of this missense change (SIFT: "Deleterious"; PolyPhen-2: "Probably Damaging"; Align-GVGD: "Class C0"). This variant has not been reported in the literature in individuals affected with RELN-related conditions. This variant is not present in population databases (gnomAD no frequency). This sequence change replaces proline, which is neutral and non-polar, with arginine, which is basic and polar, at codon 672 of the RELN protein (p.Pro672Arg).

NM_005045.4(RELN):c.2015C>G (p.Pro672Arg)

Gene: RELN (reelin; minus strand). Cytogenetic location: 7q22.1.
Variant type: single nucleotide variant.
Coding change: c.2015C>G on transcript NM_005045.4 (MANE Select); coding-DNA position 2015, C replaced by G.
Protein change: p.Pro672Arg; replaces proline 672 with arginine.
Molecular consequence: missense variant.
Genome position (GRCh38, 1-based): chr7:103,640,597, G>C on the plus strand (C>G on the coding strand, the complement: RELN is on the minus strand). VCF-style: chr7-103640597-G-C. GRCh37 (hg19) VCF-style: chr7-103281044-G-C.
Other names: c.2015C>G, p.Pro672Arg (NM_173054.3); short protein forms P672R.
Identifiers: ClinVar variation 2165675 (VCV002165675.4), dbSNP rs201044262, ClinGen allele CA368762591.
Genomic context (GRCh38, chr7:103,640,597, plus strand): 5'-GCTTACTTGCAACCATGTCTAGTGCACTGTCCTCTGCCAGAACAGAATTTGAGACATGAC[G>C]GGCCAATATAAACTGTGGGAGGGAAAAAGAGAACATAATTACAAAAACATAGAACACTAC-3'
Protein context (NP_005036.2, residues 662-682): MWAIDNVYIG[Pro672Arg]SCLKFCSGRG